The following is an entry in ClinVar:

ClinVar aggregate classification (germline): Likely benign (1 of 4 stars; one submission).

gnomAD v4.1: 27 of 1,613,162 alleles (0.0017%); highest among the groups gnomAD compares: Admixed American, 0.005%; no homozygotes.

Submission:

CeGaT Center for Human Genetics Tuebingen
Classification: Likely benign. Last evaluated: 2026-04-01. Review status: criteria provided, single submitter. Criteria: CeGaT Center For Human Genetics Tuebingen Variant Classification Criteria Version 2. Collection method: clinical testing. Allele origin: germline. Affected: yes. Observed: 1 variant allele.
Comment: CCR6: BP4, BP7

NM_031409.4(CCR6):c.1098C>T (p.Asn366=)

Gene: CCR6 (C-C motif chemokine receptor 6; plus strand). Cytogenetic location: 6q27.
Variant type: single nucleotide variant.
Coding change: c.1098C>T on transcript NM_031409.4 (MANE Select); coding-DNA position 1098, C replaced by T.
Protein change: p.Asn366=; no amino-acid change (asparagine 366 retained).
Molecular consequence: synonymous variant.
Genome position (GRCh38, 1-based): chr6:167,137,328, C>T. VCF-style: chr6-167137328-C-T. GRCh37 (hg19) VCF-style: chr6-167550816-C-T.
Other names: c.1098C>T, p.Asn366= (NM_001394582.1, NM_004367.6).
Identifiers: ClinVar variation 4872666 (VCV004872666.2).